The following is an entry in ClinVar:

NM_001128840.3(CACNA1D):c.3355G>A (p.Gly1119Ser)

Genes: CACNA1D (calcium voltage-gated channel subunit alpha1 D; plus strand), LOC129936904 (ATAC-STARR-seq lymphoblastoid active region 19969; plus strand). Cytogenetic location: 3p21.1.
Variant type: single nucleotide variant.
Coding change: c.3355G>A on transcript NM_001128840.3 (MANE Select); coding-DNA position 3355, G replaced by A.
Protein change: p.Gly1119Ser; replaces glycine 1119 with serine.
Molecular consequence: missense variant.
Genome position (GRCh38, 1-based): chr3:53,749,308, G>A. VCF-style: chr3-53749308-G-A. GRCh37 (hg19) VCF-style: chr3-53783335-G-A.
Other names: c.3415G>A, p.Gly1139Ser (NM_000720.4); c.3355G>A, p.Gly1119Ser (NM_001128839.3); c.3415G>A (NM_000720.2); short protein forms G1139S, G1119S.
Identifiers: ClinVar variation 1900624 (VCV001900624.6), dbSNP rs199788509, ClinGen allele CA2454559.

ClinVar aggregate classification (germline): Uncertain significance. Review status: criteria provided, multiple submitters, no conflicts (2 of 4 stars). 2 submissions from 2 submitters: Uncertain significance (2). Last evaluated 2025-08-22.

Conditions:
Inborn genetic diseases. Identifiers: MedGen C0950123, MeSH D030342.

Allele frequency attached by ClinVar (database versions not stated): gnomAD exomes 0.00001; TOPMed 0.00001; gnomAD 0.00003; ExAC 0.00004; 1000 Genomes Project 30x 0.00031; 1000 Genomes Project 0.00040.
gnomAD v4.1: 19 of 1,613,914 alleles (0.0012%); highest among the groups gnomAD compares: Admixed American, 0.015%; no homozygotes.

Submissions (2):

Labcorp Genetics (formerly Invitae), Labcorp
Classification: Uncertain significance. Last evaluated: 2025-08-22. Review status: criteria provided, single submitter. Criteria: Invitae Variant Classification Sherloc (09022015). Collection method: clinical testing. Allele origin: germline.
Comment: This sequence change replaces glycine, which is neutral and non-polar, with serine, which is neutral and polar, at codon 1139 of the CACNA1D protein (p.Gly1139Ser). This variant is present in population databases (rs199788509, gnomAD 0.02%). This variant has not been reported in the literature in individuals affected with CACNA1D-related conditions. ClinVar contains an entry for this variant (Variation ID: 1900624). Invitae Evidence Modeling of protein sequence and biophysical properties (such as structural, functional, and spatial information, amino acid conservation, physicochemical variation, residue mobility, and thermodynamic stability) indicates that this missense variant is not expected to disrupt CACNA1D protein function with a negative predictive value of 80%. In summary, the available evidence is currently insufficient to determine the role of this variant in disease. Therefore, it has been classified as a Variant of Uncertain Significance.

Ambry Genetics
Classification: Uncertain significance for Inborn genetic diseases. Last evaluated: 2024-08-15. Review status: criteria provided, single submitter. Criteria: Ambry Variant Classification Scheme 2023. Collection method: clinical testing. Allele origin: germline.